The following is an entry in ClinVar:

ClinVar aggregate classification (germline): Likely benign (1 of 4 stars; one submission).

Conditions:
Leigh syndrome (NULS). Also called: Leigh's necrotizing encephalopathy; Leigh's disease; Leigh Syndrome (mtDNA deletion); Leigh Disease; Subacute necrotizing encephalopathy; Necrotizing encephalopathy infantile subacute of Leigh. Identifiers: Orphanet 506, MedGen C2931891, MONDO:0009723, OMIM 256000.

Submission:

Wong Mito Lab, Molecular and Human Genetics, Baylor College of Medicine
Classification: Likely benign for Leigh syndrome. Last evaluated: 2019-10-17. Review status: criteria provided, single submitter. Criteria: Modified ACMG Guidelines (Unpublished). Collection method: clinical testing. Allele origin: germline.
Comment: The NC_012920.1:m.7808C>T (YP_003024029.1:p.Leu75Phe) variant in MTCO2 gene is interpretated to be a Likely Benign variant based on the modified ACMG guidelines (unpublished). This variant meets the following evidence codes: BS4, BP5

Literature cited by the submitters: PubMed 11799391.

NC_012920.1(MT-CO2):m.7808C>T

Gene: MT-CO2 (mitochondrially encoded cytochrome c oxidase II; plus strand).
Variant type: single nucleotide variant.
Genome position: chrM-7808-C-T.
Identifiers: ClinVar variation 692781 (VCV000692781.1), dbSNP rs1603221148, ClinGen allele CA414793821.